The following is an entry in ClinVar:

NM_031418.4(ANO3):c.1942A>G (p.Asn648Asp)

Gene: ANO3 (anoctamin 3; plus strand). Cytogenetic location: 11p14.2.
Variant type: single nucleotide variant.
Coding change: c.1942A>G on transcript NM_031418.4 (MANE Select); coding-DNA position 1942, A replaced by G.
Protein change: p.Asn648Asp; replaces asparagine 648 with aspartic acid.
Molecular consequence: missense variant.
Genome position (GRCh38, 1-based): chr11:26,634,272, A>G. VCF-style: chr11-26634272-A-G. GRCh37 (hg19) VCF-style: chr11-26655819-A-G.
Other names: c.2125A>G, p.Asn709Asp (NM_001313726.2); c.1504A>G, p.Asn502Asp (NM_001313727.2); short protein forms N502D, N648D, N709D.
Identifiers: ClinVar variation 4709728 (VCV004709728.1).

ClinVar aggregate classification (germline): Likely pathogenic (1 of 4 stars; one submission).

Conditions:
Dystonic disorder. Also called: Dystonia. Identifiers: MedGen C0013421, MONDO:0003441, HP:0001332.

Submission:

Labcorp Genetics (formerly Invitae), Labcorp
Classification: Likely pathogenic for Dystonic disorder. Last evaluated: 2026-01-09. Review status: criteria provided, single submitter. Criteria: Invitae Variant Classification Sherloc (09022015). Collection method: clinical testing. Allele origin: germline.
Comment: This sequence change replaces asparagine, which is neutral and polar, with aspartic acid, which is acidic and polar, at codon 648 of the ANO3 protein (p.Asn648Asp). This variant is not present in population databases (gnomAD no frequency). This variant has not been reported in the literature in individuals affected with ANO3-related conditions. Invitae Evidence Modeling of protein sequence and biophysical properties (such as structural, functional, and spatial information, amino acid conservation, physicochemical variation, residue mobility, and thermodynamic stability) indicates that this missense variant is expected to disrupt ANO3 protein function with a positive predictive value of 95%. This variant disrupts the p.Asn648 amino acid residue in ANO3. Other variant(s) that disrupt this residue have been determined to be pathogenic (PMID: 31053532). This suggests that this residue is clinically significant, and that variants that disrupt this residue are likely to be disease-causing. In summary, the currently available evidence indicates that the variant is pathogenic, but additional data are needed to prove that conclusively. Therefore, this variant has been classified as Likely Pathogenic.

Literature cited by the submitters: PubMed 31053532.